The following is an entry in ClinVar:

NM_019014.6(POLR1B):c.1328C>G (p.Thr443Arg)

Gene: POLR1B (RNA polymerase I subunit B; plus strand). Cytogenetic location: 2q14.1.
Variant type: single nucleotide variant.
Coding change: c.1328C>G on transcript NM_019014.6 (MANE Select); coding-DNA position 1328, C replaced by G.
Protein change: p.Thr443Arg; replaces threonine 443 with arginine.
Molecular consequence: missense variant. On other transcripts: intron variant (1).
Genome position (GRCh38, 1-based): chr2:112,558,079, C>G. VCF-style: chr2-112558079-C-G. GRCh37 (hg19) VCF-style: chr2-113315656-C-G.
Other names: c.1160C>G, p.Thr387Arg (NM_001137604.3); c.1442C>G, p.Thr481Arg (NM_001282772.2); c.695C>G, p.Thr232Arg (NM_001282776.2, NM_001371971.1); c.911C>G, p.Thr304Arg (NM_001282777.2, NM_001282779.2, NM_001371970.1); c.1328C>G, p.Thr443Arg (NM_001371969.1); c.1158+5263C>G (NM_001282774.2); short protein forms T232R, T304R, T387R, T443R, T481R.
Identifiers: ClinVar variation 4689175 (VCV004689175.1).

ClinVar aggregate classification (germline): Uncertain significance (1 of 4 stars; one submission).

Submission:

Women's Health and Genetics/Laboratory Corporation of America, LabCorp
Classification: Uncertain significance. Last evaluated: 2026-01-21. Review status: criteria provided, single submitter. Criteria: LabCorp Variant Classification Summary - May 2015. Collection method: clinical testing. Allele origin: germline.
Comment: Variant summary: POLR1B c.1328C>G (p.Thr443Arg) results in a non-conservative amino acid change in the encoded protein sequence. Algorithms developed to predict the effect of missense changes on protein structure and function are either unavailable or do not agree on the potential impact of this missense change. Consensus agreement among computation tools predict no significant impact on normal splicing. However, these predictions have yet to be confirmed by functional studies. The variant was absent in 134888 control chromosomes. The available data on variant occurrences in the general population are insufficient to allow any conclusion about variant significance. To our knowledge, no occurrence of c.1328C>G in individuals affected with POLR1B-related conditions and no experimental evidence demonstrating its impact on protein function have been reported. No submitters have cited clinical-significance assessments for this variant to ClinVar. Based on the evidence outlined above, the variant was classified as uncertain significance.